The following is an entry in ClinVar:

NM_001845.6(COL4A1):c.3409C>G (p.Leu1137Val)

Gene: COL4A1 (collagen type IV alpha 1 chain; minus strand). Cytogenetic location: 13q34.
Variant type: single nucleotide variant.
Coding change: c.3409C>G on transcript NM_001845.6 (MANE Select); coding-DNA position 3409, C replaced by G.
Protein change: p.Leu1137Val; replaces leucine 1137 with valine.
Molecular consequence: missense variant.
Genome position (GRCh38, 1-based): chr13:110,173,996, G>C on the plus strand (C>G on the coding strand, the complement: COL4A1 is on the minus strand). VCF-style: chr13-110173996-G-C. GRCh37 (hg19) VCF-style: chr13-110826343-G-C.
Other names: short protein forms L1137V.
Identifiers: ClinVar variation 3647288 (VCV003647288.2).

ClinVar aggregate classification (germline): Uncertain significance (1 of 4 stars; one submission).

Submission:

Labcorp Genetics (formerly Invitae), Labcorp
Classification: Uncertain significance. Last evaluated: 2024-03-22. Review status: criteria provided, single submitter. Criteria: Invitae Variant Classification Sherloc (09022015). Collection method: clinical testing. Allele origin: germline.
Comment: This sequence change replaces leucine, which is neutral and non-polar, with valine, which is neutral and non-polar, at codon 1137 of the COL4A1 protein (p.Leu1137Val). This variant is not present in population databases (gnomAD no frequency). This variant has not been reported in the literature in individuals affected with COL4A1-related conditions. An algorithm developed to predict the effect of missense changes on protein structure and function (PolyPhen-2) suggests that this variant is likely to be tolerated. In summary, the available evidence is currently insufficient to determine the role of this variant in disease. Therefore, it has been classified as a Variant of Uncertain Significance.